The following is an entry in ClinVar:

ClinVar aggregate classification (germline): Uncertain significance (1 of 4 stars; one submission).

Submission:

GeneDx
Classification: Uncertain significance. Last evaluated: 2023-07-31. Review status: criteria provided, single submitter. Criteria: GeneDx Variant Classification Process June 2021. Collection method: clinical testing. Allele origin: germline. Affected: yes.
Comment: Not observed at significant frequency in large population cohorts (gnomAD); Missense variants in this gene are often considered pathogenic (HGMD); In silico analysis supports that this missense variant does not alter protein structure/function; Has not been previously published as pathogenic or benign to our knowledge

NM_006086.4(TUBB3):c.1334A>G (p.Glu445Gly)

Gene: TUBB3 (tubulin beta 3 class III; plus strand). Cytogenetic location: 16q24.3.
Variant type: single nucleotide variant.
Coding change: c.1334A>G on transcript NM_006086.4 (MANE Select); coding-DNA position 1334, A replaced by G.
Protein change: p.Glu445Gly; replaces glutamic acid 445 with glycine.
Molecular consequence: missense variant.
Genome position (GRCh38, 1-based): chr16:89,935,785, A>G. VCF-style: chr16-89935785-A-G. GRCh37 (hg19) VCF-style: chr16-90002193-A-G.
Other names: c.1118A>G, p.Glu373Gly (NM_001197181.2); short protein forms E373G, E445G.
Identifiers: ClinVar variation 3361588 (VCV003361588.1).